The following is an entry in ClinVar:

ClinVar aggregate classification (germline): Uncertain significance. Review status: criteria provided, multiple submitters, no conflicts (2 of 4 stars). 2 submissions from 2 submitters: Uncertain significance (2). Last evaluated 2024-11-23.

Conditions:
Inborn genetic diseases. Identifiers: MedGen C0950123, MeSH D030342.

gnomAD v4.1: 16 of 1,607,394 alleles (0.001%); highest among the groups gnomAD compares: African/African-American, 0.016%; no homozygotes.

Submissions (2):

Ambry Genetics
Classification: Uncertain significance for Inborn genetic diseases. Last evaluated: 2024-11-23. Review status: criteria provided, single submitter. Criteria: Ambry Variant Classification Scheme 2023. Collection method: clinical testing. Allele origin: germline.
Comment: The p.N914H variant (also known as c.2740A>C), located in coding exon 24 of the ANKRD26 gene, results from an A to C substitution at nucleotide position 2740. The asparagine at codon 914 is replaced by histidine, an amino acid with similar properties. This amino acid position is conserved. In addition, this alteration is predicted to be tolerated by in silico analysis. Based on the available evidence, the clinical significance of this variant remains unclear.

GeneDx
Classification: Uncertain significance. Last evaluated: 2023-07-06. Review status: criteria provided, single submitter. Criteria: GeneDx Variant Classification Process June 2021. Collection method: clinical testing. Allele origin: germline. Affected: yes.
Comment: In silico analysis supports that this missense variant has a deleterious effect on protein structure/function; Has not been previously published as pathogenic or benign to our knowledge

NM_014915.3(ANKRD26):c.2740A>C (p.Asn914His)

Gene: ANKRD26 (ankyrin repeat domain containing 26; minus strand). Cytogenetic location: 10p12.1.
Variant type: single nucleotide variant.
Coding change: c.2740A>C on transcript NM_014915.3 (MANE Select); coding-DNA position 2740, A replaced by C.
Protein change: p.Asn914His; replaces asparagine 914 with histidine.
Molecular consequence: missense variant.
Genome position (GRCh38, 1-based): chr10:27,035,710, T>G on the plus strand (A>C on the coding strand, the complement: ANKRD26 is on the minus strand). VCF-style: chr10-27035710-T-G. GRCh37 (hg19) VCF-style: chr10-27324639-T-G.
Other names: c.2737A>C, p.Asn913His (NM_001256053.2); short protein forms N913H, N914H.
Identifiers: ClinVar variation 3360751 (VCV003360751.2).